The following is an entry in ClinVar:

NM_000548.5(TSC2):c.2897T>C (p.Phe966Ser)

Gene: TSC2 (TSC complex subunit 2; plus strand). Cytogenetic location: 16p13.3.
Variant type: single nucleotide variant.
Coding change: c.2897T>C on transcript NM_000548.5 (MANE Select); coding-DNA position 2897, T replaced by C.
Protein change: p.Phe966Ser; replaces phenylalanine 966 with serine.
Molecular consequence: missense variant. On other transcripts: intron variant (9).
Genome position (GRCh38, 1-based): chr16:2,077,657, T>C. VCF-style: chr16-2077657-T-C. GRCh37 (hg19) VCF-style: chr16-2127658-T-C.
Other names: c.2726+1072T>C (NM_001318827.2); c.2237+1072T>C (NM_001318831.2); c.2690+1072T>C (NM_001318829.2); c.2870+1072T>C (NM_001318832.2); c.2897T>C, p.Phe966Ser (NM_001114382.3); c.2837+1072T>C (NM_021055.3, NM_001370405.1, NM_001363528.2 and 2 more transcripts); short protein forms F966S.
Identifiers: ClinVar variation 1465667 (VCV001465667.8), dbSNP rs2151414797, ClinGen allele CA394281137.
Genomic context (GRCh38, chr16:2,077,657, plus strand): 5'-GTCTGAGGATAGCCAGACCCCCCAAACAAGGCTTGAATAACTCTCCACCCGTGAAAGAAT[T>C]CAAGGAGAGCTCTGCAGCCGAGGCCTTCCGGTGCCGCAGCATCAGTGTGTCTGAACATGT-3'
Protein context (NP_000539.2, residues 956-976): GLNNSPPVKE[Phe966Ser]KESSAAEAFR

ClinVar aggregate classification (germline): Uncertain significance (1 of 4 stars; one submission).

Conditions:
Tuberous sclerosis 2 (TSC2). Identifiers: Orphanet 805, MedGen C1860707, MONDO:0013199, OMIM 613254.

Submission:

Labcorp Genetics (formerly Invitae), Labcorp
Classification: Uncertain significance for Tuberous sclerosis 2. Last evaluated: 2021-07-16. Review status: criteria provided, single submitter. Criteria: Invitae Variant Classification Sherloc (09022015). Collection method: clinical testing. Allele origin: germline.
Comment: In summary, the available evidence is currently insufficient to determine the role of this variant in disease. Therefore, it has been classified as a Variant of Uncertain Significance. Advanced modeling of protein sequence and biophysical properties (such as structural, functional, and spatial information, amino acid conservation, physicochemical variation, residue mobility, and thermodynamic stability) performed at Invitae indicates that this missense variant is not expected to disrupt TSC2 protein function. This variant has not been reported in the literature in individuals affected with TSC2-related conditions. This variant is not present in population databases (ExAC no frequency). This sequence change replaces phenylalanine with serine at codon 966 of the TSC2 protein (p.Phe966Ser). The phenylalanine residue is weakly conserved and there is a large physicochemical difference between phenylalanine and serine.